The following is an entry in ClinVar:

ClinVar aggregate classification (germline): Likely benign. Review status: reviewed by expert panel (3 of 4 stars). 14 submissions from 13 submitters: Likely benign (1). 13 of the submissions do not count toward it. Last evaluated 2017-06-29.

Conditions:
Hereditary cancer-predisposing syndrome. Also called: Tumor predisposition; Hereditary neoplastic syndrome; Neoplastic Syndromes, Hereditary; Hereditary Cancer Syndrome. Identifiers: Orphanet 140162, MedGen C0027672, MeSH D009386, MONDO:0015356.
Hereditary breast ovarian cancer syndrome. Also called: Hereditary breast and/or ovarian cancer syndrome; Hereditary breast and ovarian cancer syndrome; Hereditary breast and ovarian cancer syndrome (HBOC); Hereditary breast and ovarian cancer; Breast and ovarian cancer; BRCA1- and BRCA2-Associated Hereditary Breast and Ovarian Cancer. Identifiers: Orphanet 145, MedGen C0677776, MeSH D061325, MONDO:0003582. Disease mechanism: loss of function.
Fanconi anemia complementation group D1. Also called: BRCA2-Related Fanconi Anemia. Identifiers: Orphanet 319462, MedGen C1838457, MONDO:0011584, OMIM 605724.
Breast-ovarian cancer, familial, susceptibility to, 2 (BROVCA2). Also called: BRCA2 Hereditary Breast and Ovarian Cancer. Identifiers: Orphanet 145, MedGen C2675520, MONDO:0012933, OMIM 612555. Disease mechanism: loss of function.

Allele frequency attached by ClinVar (database versions not stated): gnomAD exomes 0.00001 and 0.00005; ExAC 0.00006; ESP Exome Variant Server 0.00015; gnomAD 0.00017 and 0.00021; TOPMed 0.00020.
gnomAD v4.1: 47 of 1,614,030 alleles (0.0029%); highest among the groups gnomAD compares: African/African-American, 0.051%; no homozygotes.

Submissions (14):

Evidence-based Network for the Interpretation of Germline Mutant Alleles (ENIGMA)
Classification: Likely benign for Breast-ovarian cancer, familial, susceptibility to, 2. Last evaluated: 2017-06-29. Review status: reviewed by expert panel. Criteria: ENIGMA BRCA1/2 Classification Criteria (2017-06-29). Collection method: curation. Allele origin: germline.
Comment: Synonymous substitution variant, with low bioinformatic likelihood to result in a splicing aberration (Splicing prior probability 0.02).

Labcorp Genetics (formerly Invitae), Labcorp
Classification: Benign for Hereditary breast ovarian cancer syndrome. Last evaluated: 2026-02-03. Review status: criteria provided, single submitter. Criteria: Invitae Variant Classification Sherloc (09022015). Collection method: clinical testing. Allele origin: germline. Not counted in ClinVar's aggregate classification.

Quest Diagnostics Nichols Institute San Juan Capistrano
Classification: Benign. Last evaluated: 2023-01-13. Review status: criteria provided, single submitter. Criteria: Quest Diagnostics criteria. Collection method: clinical testing. Allele origin: unknown. Not counted in ClinVar's aggregate classification.

Sema4
Classification: Likely benign for Hereditary cancer-predisposing syndrome. Last evaluated: 2021-09-10. Review status: criteria provided, single submitter. Criteria: Sema4 Curation Guidelines. Collection method: curation. Allele origin: germline. Not counted in ClinVar's aggregate classification.

Genetic Services Laboratory, University of Chicago
Classification: Likely benign. Last evaluated: 2021-05-03. Review status: criteria provided, single submitter. Criteria: ACMG Guidelines, 2015. Collection method: clinical testing. Allele origin: germline. Affected: no. Not counted in ClinVar's aggregate classification.

Blueprint Genetics
Classification: Likely benign. Last evaluated: 2020-02-26. Review status: criteria provided, single submitter. Criteria: ACMG Guidelines, 2015. Collection method: clinical testing. Allele origin: germline. Not counted in ClinVar's aggregate classification.

Women's Health and Genetics/Laboratory Corporation of America, LabCorp
Classification: Likely benign. Last evaluated: 2019-08-21. Review status: criteria provided, single submitter. Criteria: LabCorp Variant Classification Summary - May 2015. Collection method: clinical testing. Allele origin: germline. Not counted in ClinVar's aggregate classification.

Illumina Laboratory Services, Illumina
Classification: Likely benign for Breast-ovarian cancer, familial, susceptibility to, 2. Last evaluated: 2017-04-27. Review status: criteria provided, single submitter. Criteria: ICSL Variant Classification Criteria 13 December 2019. Collection method: clinical testing. Allele origin: germline. Not counted in ClinVar's aggregate classification.
Comment: This variant was observed as part of a predisposition screen in an ostensibly healthy population. A literature search was performed for the gene, cDNA change, and amino acid change (where applicable). No publications were found based on this search. Allele frequency data from public databases allowed determination this variant is unlikely to cause disease. Therefore, this variant is classified as likely benign.

Illumina Laboratory Services, Illumina
Classification: Uncertain significance for Fanconi anemia complementation group D1. Last evaluated: 2017-04-27. Review status: criteria provided, single submitter. Criteria: ICSL Variant Classification Criteria 13 December 2019. Collection method: clinical testing. Allele origin: germline. Not counted in ClinVar's aggregate classification.

ARUP Laboratories, Molecular Genetics and Genomics, ARUP Laboratories
Classification: Benign. Last evaluated: 2016-11-17. Review status: criteria provided, single submitter. Criteria: ARUP Molecular Germline Variant Investigation Process. Collection method: clinical testing. Allele origin: germline. Not counted in ClinVar's aggregate classification.

Color Diagnostics, LLC DBA Color Health
Classification: Likely benign for Hereditary cancer-predisposing syndrome. Last evaluated: 2015-11-17. Review status: criteria provided, single submitter. Criteria: ACMG Guidelines, 2015. Collection method: clinical testing. Allele origin: germline. Not counted in ClinVar's aggregate classification.

Ambry Genetics
Classification: Likely benign for Hereditary cancer-predisposing syndrome. Last evaluated: 2014-06-19. Review status: criteria provided, single submitter. Criteria: Ambry Variant Classification Scheme 2023. Collection method: clinical testing. Allele origin: germline. Not counted in ClinVar's aggregate classification.

GeneDx
Classification: Benign. Last evaluated: 2014-05-09. Review status: criteria provided, single submitter. Criteria: GeneDx Variant Classification (06012015). Collection method: clinical testing. Allele origin: germline. Affected: yes. Not counted in ClinVar's aggregate classification.
Comment: This variant is considered likely benign or benign based on one or more of the following criteria: it is a conservative change, it occurs at a poorly conserved position in the protein, it is predicted to be benign by multiple in silico algorithms, and/or has population frequency not consistent with disease.

Counsyl
Classification: Likely benign for Breast-ovarian cancer, familial, susceptibility to, 2. Last evaluated: 2016-06-01. Review status: no assertion criteria provided. Collection method: clinical testing. Allele origin: unknown. Not counted in ClinVar's aggregate classification.

NM_000059.4(BRCA2):c.8154T>C (p.Ile2718=)

Gene: BRCA2 (BRCA2 DNA repair associated; plus strand). Cytogenetic location: 13q13.1.
Variant type: single nucleotide variant.
Coding change: c.8154T>C on transcript NM_000059.4 (MANE Select); coding-DNA position 8154, T replaced by C.
Protein change: p.Ile2718=; no amino-acid change (isoleucine 2718 retained).
Molecular consequence: synonymous variant.
Genome position (GRCh38, 1-based): chr13:32,363,356, T>C. VCF-style: chr13-32363356-T-C. GRCh37 (hg19) VCF-style: chr13-32937493-T-C.
Other names: p.I2718I:ATT>ATC.
Identifiers: ClinVar variation 136569 (VCV000136569.36), dbSNP rs148880015, ClinGen allele CA025474.